The following is an entry in ClinVar:

ClinVar aggregate classification (germline): Uncertain significance (1 of 4 stars; one submission).

Conditions:
Hereditary cancer-predisposing syndrome. Also called: Hereditary neoplastic syndrome; Neoplastic Syndromes, Hereditary; Tumor predisposition; Hereditary Cancer Syndrome. Identifiers: Orphanet 140162, MedGen C0027672, MeSH D009386, MONDO:0015356.

Submission:

Ambry Genetics
Classification: Uncertain significance for Hereditary cancer-predisposing syndrome. Last evaluated: 2025-08-27. Review status: criteria provided, single submitter. Criteria: Ambry Variant Classification Scheme 2023. Collection method: clinical testing. Allele origin: germline.
Comment: The p.K192R variant (also known as c.575A>G), located in coding exon 7 of the MUTYH gene, results from an A to G substitution at nucleotide position 575. The lysine at codon 192 is replaced by arginine, an amino acid with highly similar properties. This amino acid position is conserved. In addition, the in silico prediction for this alteration is inconclusive. Based on the available evidence, the clinical significance of this variant remains unclear.

NM_001048174.2(MUTYH):c.491A>G (p.Lys164Arg)

Gene: MUTYH (mutY DNA glycosylase; minus strand). Cytogenetic location: 1p34.1.
Variant type: single nucleotide variant.
Coding change: c.491A>G on transcript NM_001048174.2 (MANE Select); coding-DNA position 491, A replaced by G.
Protein change: p.Lys164Arg; replaces lysine 164 with arginine.
Molecular consequence: missense variant. On other transcripts: non-coding transcript variant (7).
Genome position (GRCh38, 1-based): chr1:45,332,764, T>C on the plus strand (A>G on the coding strand, the complement: MUTYH is on the minus strand). VCF-style: chr1-45332764-T-C. GRCh37 (hg19) VCF-style: chr1-45798436-T-C.
Other names: c.215A>G, p.Lys72Arg (NM_001293192.2, NM_001293196.2, NM_001407091.1); c.491A>G, p.Lys164Arg (NM_001293195.2, NM_001407070.1, NM_001407072.1 and 6 more transcripts); c.146A>G, p.Lys49Arg (NM_001350650.2, NM_001350651.2, NM_001407082.1); c.524A>G, p.Lys175Arg (NM_001407069.1, NM_001293191.2, NM_001407077.1); c.494A>G, p.Lys165Arg (NM_001407071.1, NM_001407086.1, NM_001048172.2 and 1 more transcripts); c.512A>G, p.Lys171Arg (NM_001407087.1); c.566A>G, p.Lys189Arg (NM_012222.3); c.575A>G, p.Lys192Arg (NM_001128425.2); and 5 more; short protein forms K165R, K178R, K192R, K136R, K175R, K189R, K72R, K151R.
Identifiers: ClinVar variation 4113736 (VCV004113736.1).
Genomic context (GRCh38, chr1:45,332,764, plus strand): 5'-ACTCAAGATTATAAGACACCCAAGACTCCTGGGTTCCTACCCTCCTGCCATCCCCTTACC[T>C]TCCGAGCTCCCTCCTGCAGCCGCCGGCCACGAGAATAGTAGCCCAGGCCAGCCCAGAGTT-3'
Protein context (NP_001041639.1, residues 154-174): RGRRLQEGAR[Lys164Arg]VVEELGGHMP